The following is an entry in ClinVar:

NM_001166108.2(PALLD):c.288T>G (p.Asp96Glu)

Gene: PALLD (palladin, cytoskeletal associated protein; plus strand). Cytogenetic location: 4q32.3.
Variant type: single nucleotide variant.
Coding change: c.288T>G on transcript NM_001166108.2 (MANE Select); coding-DNA position 288, T replaced by G.
Protein change: p.Asp96Glu; replaces aspartic acid 96 with glutamic acid.
Molecular consequence: missense variant.
Genome position (GRCh38, 1-based): chr4:168,511,792, T>G. VCF-style: chr4-168511792-T-G. GRCh37 (hg19) VCF-style: chr4-169432943-T-G.
Other names: c.288T>G, p.Asp96Glu (NM_016081.4); short protein forms D96E.
Identifiers: ClinVar variation 1797292 (VCV001797292.3), dbSNP rs2531430286, ClinGen allele CA358725232.

ClinVar aggregate classification (germline): Uncertain significance (1 of 4 stars; one submission).

Submission:

Ambry Genetics
Classification: Uncertain significance. Last evaluated: 2024-11-16. Review status: criteria provided, single submitter. Criteria: Ambry Variant Classification Scheme 2023. Collection method: clinical testing. Allele origin: germline.
Comment: The p.D96E variant (also known as c.288T>G), located in coding exon 1 of the PALLD gene, results from a T to G substitution at nucleotide position 288. The aspartic acid at codon 96 is replaced by glutamic acid, an amino acid with highly similar properties. This amino acid position is conserved. In addition, this alteration is predicted to be tolerated by in silico analysis. Since supporting evidence is limited at this time, the clinical significance of this alteration remains unclear.